The following is an entry in ClinVar:

NM_004517.4(ILK):c.1122C>T (p.Asp374=)

Genes: ILK (integrin linked kinase; plus strand), TAF10 (TATA-box binding protein associated factor 10; minus strand). Cytogenetic location: 11p15.4.
Variant type: single nucleotide variant.
Coding change: c.1122C>T on transcript NM_004517.4 (MANE Select); coding-DNA position 1122, C replaced by T.
Protein change: p.Asp374=; no amino-acid change (aspartic acid 374 retained).
Molecular consequence: synonymous variant. On other transcripts: 3 prime UTR variant (1).
Genome position (GRCh38, 1-based): chr11:6,610,191, C>T. VCF-style: chr11-6610191-C-T. GRCh37 (hg19) VCF-style: chr11-6631422-C-T.
Other names: c.1122C>T (NM_004517.3); c.1122C>T, p.Asp374= (NM_001014794.3, NM_001014795.3); c.939C>T, p.Asp313= (NM_001278441.2); c.720C>T, p.Asp240= (NM_001278442.2); c.*731G>A (NM_006284.4).
Identifiers: ClinVar variation 1093070 (VCV001093070.14), dbSNP rs1237951284, ClinGen allele CA472921564.

ClinVar aggregate classification (germline): Likely benign. Review status: criteria provided, multiple submitters, no conflicts (2 of 4 stars). 4 submissions from 4 submitters: Likely benign (3). 1 of the submissions does not count toward it. Last evaluated 2025-09-26.

Conditions:
ILK-related disorder. Also called: ILK-related condition.
Primary familial hypertrophic cardiomyopathy (HCM). Identifiers: Orphanet 99739, MedGen C0949658, MeSH D024741, MONDO:0024573. Inheritance: Various modes of inheritance.

Allele frequency attached by ClinVar (database versions not stated): gnomAD exomes below 0.00001; gnomAD 0.00001.
gnomAD v4.1: 4 of 1,614,134 alleles (0.00025%); highest among the groups gnomAD compares: Admixed American, 0.0017%; no homozygotes.

Submissions (4):

Labcorp Genetics (formerly Invitae), Labcorp
Classification: Likely benign for Primary familial hypertrophic cardiomyopathy. Last evaluated: 2025-09-26. Review status: criteria provided, single submitter. Criteria: Invitae Variant Classification Sherloc (09022015). Collection method: clinical testing. Allele origin: germline.

Ambry Genetics
Classification: Likely benign. Last evaluated: 2023-07-15. Review status: criteria provided, single submitter. Criteria: Ambry Variant Classification Scheme 2023. Collection method: clinical testing. Allele origin: germline.

Blueprint Genetics
Classification: Likely benign. Last evaluated: 2022-12-15. Review status: criteria provided, single submitter. Criteria: ACMG Guidelines, 2015. Collection method: clinical testing. Allele origin: germline.

PreventionGenetics, part of Exact Sciences
Classification: Likely benign for ILK-related condition. Last evaluated: 2019-04-09. Review status: no assertion criteria provided. Collection method: clinical testing. Allele origin: germline. Not counted in ClinVar's aggregate classification.
Comment: This variant is classified as likely benign based on ACMG/AMP sequence variant interpretation guidelines (Richards et al. 2015 PMID: 25741868, with internal and published modifications).